The following is an entry in ClinVar:

NM_001042492.3(NF1):c.385del (p.Gln129fs)

Gene: NF1 (neurofibromin 1; plus strand). Cytogenetic location: 17q11.2.
Variant type: Deletion.
Coding change: c.385del on transcript NM_001042492.3 (MANE Select); coding-DNA position 385, one base deleted (C; older notation c.385delC).
Protein change: p.Gln129fs; shifts the reading frame from glutamine 129.
Molecular consequence: frameshift variant.
Genome position (GRCh38, 1-based): chr17:31,163,282, C deleted; the last of 2 consecutive C bases (chr17:31,163,281-31,163,282); deleting either gives the same sequence. VCF-style (leftmost placement, unchanged base first): chr17-31163280-AC-A. GRCh37 (hg19) VCF-style: chr17-29490298-AC-A.
Other names: c.385delC (NM_000267.3); c.385delC, p.Gln129Serfs (NM_000267.4); c.385del, p.Gln129fs (NM_001128147.3); short protein forms Q129fs.
Identifiers: ClinVar variation 2711505 (VCV002711505.4), dbSNP rs2544700934, ClinGen allele CA2697559757.

ClinVar aggregate classification (germline): Pathogenic. Review status: criteria provided, multiple submitters, no conflicts (2 of 4 stars). 2 submissions from 2 submitters: Pathogenic (2). Last evaluated 2025-12-01.

Conditions:
Hereditary cancer-predisposing syndrome. Also called: Neoplastic Syndromes, Hereditary; Hereditary neoplastic syndrome; Tumor predisposition; Hereditary Cancer Syndrome. Identifiers: Orphanet 140162, MedGen C0027672, MeSH D009386, MONDO:0015356.
Cardiovascular phenotype. Identifiers: MedGen CN230736.
Neurofibromatosis, type 1 (NF1). Also called: Peripheral type neurofibromatosis; VON RECKLINGHAUSEN DISEASE; NEUROFIBROMATOSIS, TYPE I, SOMATIC; Neurofibromatosis, type I. Identifiers: Orphanet 636, MedGen C0027831, MONDO:0018975, OMIM 162200. Disease mechanism: loss of function.

Submissions (2):

Ambry Genetics
Classification: Pathogenic for Cardiovascular phenotype; Hereditary cancer-predisposing syndrome. Last evaluated: 2025-12-01. Review status: criteria provided, single submitter. Criteria: Ambry Variant Classification Scheme 2023. Collection method: clinical testing. Allele origin: germline.
Comment: The c.385delC pathogenic mutation, located in coding exon 4 of the NF1 gene, results from a deletion of one nucleotide at nucleotide position 385, causing a translational frameshift with a predicted alternate stop codon (p.Q129Sfs*36). This variant is considered to be rare based on population cohorts in the Genome Aggregation Database (gnomAD). This alteration is expected to result in loss of function by premature protein truncation or nonsense-mediated mRNA decay. As such, this alteration is interpreted as a disease-causing mutation.

Labcorp Genetics (formerly Invitae), Labcorp
Classification: Pathogenic for Neurofibromatosis, type 1. Last evaluated: 2024-01-25. Review status: criteria provided, single submitter. Criteria: Invitae Variant Classification Sherloc (09022015). Collection method: clinical testing. Allele origin: germline.
Comment: This sequence change creates a premature translational stop signal (p.Gln129Serfs*36) in the NF1 gene. It is expected to result in an absent or disrupted protein product. Loss-of-function variants in NF1 are known to be pathogenic (PMID: 10712197, 23913538). This variant is not present in population databases (gnomAD no frequency). This variant has not been reported in the literature in individuals affected with NF1-related conditions. For these reasons, this variant has been classified as Pathogenic.

Literature cited by the submitters: PubMed 10712197 (cited by Labcorp Genetics (formerly Invitae), Labcorp); PubMed 23913538 (cited by Labcorp Genetics (formerly Invitae), Labcorp).